The following is an entry in ClinVar:

NM_001365536.1(SCN9A):c.122A>G (p.Asp41Gly)

Gene: SCN9A (sodium voltage-gated channel alpha subunit 9; minus strand). Cytogenetic location: 2q24.3.
Variant type: single nucleotide variant.
Coding change: c.122A>G on transcript NM_001365536.1 (MANE Select); coding-DNA position 122, A replaced by G.
Protein change: p.Asp41Gly; replaces aspartic acid 41 with glycine.
Molecular consequence: missense variant.
Genome position (GRCh38, 1-based): chr2:166,311,635, T>C on the plus strand (A>G on the coding strand, the complement: SCN9A is on the minus strand). VCF-style: chr2-166311635-T-C. GRCh37 (hg19) VCF-style: chr2-167168145-T-C.
Other names: c.122A>G, p.Asp41Gly (NM_002977.4); short protein forms D41G.
Identifiers: ClinVar variation 2937980 (VCV002937980.3), dbSNP rs368147111, ClinGen allele CA1944886.

ClinVar aggregate classification (germline): Uncertain significance (1 of 4 stars; one submission).

Conditions:
Neuropathy, hereditary sensory and autonomic, type 2A (HSAN2A). Also called: ACROOSTEOLYSIS, GIACCAI TYPE; ACROOSTEOLYSIS, NEUROGENIC; MORVAN DISEASE; NEUROPATHY, CONGENITAL SENSORY; NEUROPATHY, HEREDITARY SENSORY RADICULAR, AUTOSOMAL RECESSIVE; NEUROPATHY, HEREDITARY SENSORY, TYPE IIA. Identifiers: Orphanet 970, MedGen C2752089, MONDO:0024309, OMIM 201300.
Generalized epilepsy with febrile seizures plus, type 7 (GEFSP7). Also called: GEFS+, TYPE 7. Identifiers: Orphanet 36387, MedGen C2751778, MONDO:0013470, OMIM 613863.

Allele frequency attached by ClinVar (database versions not stated): gnomAD exomes below 0.00001; TOPMed below 0.00001; ExAC 0.00002; ESP Exome Variant Server 0.00008.
gnomAD v4.1: 6 of 1,613,386 alleles (0.00037%); highest among the groups gnomAD compares: Non-Finnish European, 0.00051%; no homozygotes.

Submission:

Labcorp Genetics (formerly Invitae), Labcorp
Classification: Uncertain significance for Neuropathy, hereditary sensory and autonomic, type 2A; Generalized epilepsy with febrile seizures plus, type 7. Last evaluated: 2023-11-21. Review status: criteria provided, single submitter. Criteria: Invitae Variant Classification Sherloc (09022015). Collection method: clinical testing. Allele origin: germline.
Comment: This sequence change replaces aspartic acid, which is acidic and polar, with glycine, which is neutral and non-polar, at codon 41 of the SCN9A protein (p.Asp41Gly). This variant is present in population databases (rs368147111, gnomAD 0.003%). This variant has not been reported in the literature in individuals affected with SCN9A-related conditions. Advanced modeling of protein sequence and biophysical properties (such as structural, functional, and spatial information, amino acid conservation, physicochemical variation, residue mobility, and thermodynamic stability) has been performed at Invitae for this missense variant, however the output from this modeling did not meet the statistical confidence thresholds required to predict the impact of this variant on SCN9A protein function. In summary, the available evidence is currently insufficient to determine the role of this variant in disease. Therefore, it has been classified as a Variant of Uncertain Significance.